The following is an entry in ClinVar:

ClinVar aggregate classification (germline): Pathogenic. Review status: criteria provided, single submitter (1 of 4 stars). 2 submissions from 2 submitters: Pathogenic (1). 1 of the submissions does not count toward it. Last evaluated 2026-04-28.

Conditions:
Intellectual developmental disorder, X-linked, syndromic 14. Also called: Syndromic X-linked intellectual disability 14. Identifiers: Orphanet 776, MedGen C1970822, MONDO:0010398, OMIM 300676.

Submissions (2):

Wales Gene Park, Division Of Cancer and Genetics, Cardiff University
Classification: Pathogenic for Intellectual developmental disorder, X-linked, syndromic 14. Last evaluated: 2026-04-28. Review status: criteria provided, single submitter. Criteria: ACGS Best Practice Guidelines for Variant Classification in Rare Disease 2024. Collection method: research. Allele origin: de novo. Inheritance: X-linked inheritance. Affected: yes. Study: 100,000 Genomes Project (Wales).
Comment: De novo UPF3B frameshift variant detected by trio genome sequencing. Not present in gnomAD (v4.1.1). Phenotype consistent with gene but not highly specific and high genetic heterogeneity. Evidence codes: PVS1, PM2, PS2_supporting.

Service de Génétique Moléculaire, Hôpital Robert Debré
Classification: Likely pathogenic for Intellectual developmental disorder, X-linked, syndromic 14. Last evaluated: 2020-07-24. Review status: no assertion criteria provided. Collection method: clinical testing. Allele origin: inherited. Affected: yes. Not counted in ClinVar's aggregate classification.

NM_080632.3(UPF3B):c.646_647del (p.Glu216fs)

Gene: UPF3B (UPF3B regulator of nonsense mediated mRNA decay; minus strand). Cytogenetic location: Xq24.
Variant type: Microsatellite.
Coding change: c.646_647del on transcript NM_080632.3 (MANE Select); coding-DNA positions 646 to 647, 2 bases deleted (GA; older notation c.646_647delGA).
Protein change: p.Glu216fs; shifts the reading frame from glutamic acid 216.
Molecular consequence: frameshift variant.
Genome position (GRCh38, 1-based): chrX:119,841,236-119,841,237, TC deleted on the plus strand (GA on the coding strand, the reverse complement: UPF3B is on the minus strand); deleting any 2 consecutive bases within chrX:119,841,236-119,841,242 gives the same sequence; the c. name uses the placement nearest the transcript's 3' end. VCF-style (leftmost placement, unchanged base first): chrX-119841235-TTC-T. GRCh37 (hg19) VCF-style: chrX-118975198-TTC-T.
Other names: c.646_647del, p.Glu216fs (NM_023010.4); short protein forms E216fs.
Identifiers: ClinVar variation 988748 (VCV000988748.2), dbSNP rs2521526324, ClinGen allele CA2580612464.